The following is an entry in ClinVar:

ClinVar aggregate classification (germline): Uncertain significance (1 of 4 stars; one submission).

Submission:

Ambry Genetics
Classification: Uncertain significance. Last evaluated: 2022-12-14. Review status: criteria provided, single submitter. Criteria: Ambry Variant Classification Scheme 2023. Collection method: clinical testing. Allele origin: germline.
Comment: The p.D1543G variant (also known as c.4628A>G), located in coding exon 16 of the POLQ gene, results from an A to G substitution at nucleotide position 4628. The aspartic acid at codon 1543 is replaced by glycine, an amino acid with similar properties. This amino acid position is conserved. In addition, this alteration is predicted to be tolerated by in silico analysis. Since supporting evidence is limited at this time, the clinical significance of this alteration remains unclear.

NM_199420.4(POLQ):c.4628A>G (p.Asp1543Gly)

Gene: POLQ (DNA polymerase theta; minus strand). Cytogenetic location: 3q13.33.
Variant type: single nucleotide variant.
Coding change: c.4628A>G on transcript NM_199420.4 (MANE Select); coding-DNA position 4628, A replaced by G.
Protein change: p.Asp1543Gly; replaces aspartic acid 1543 with glycine.
Molecular consequence: missense variant.
Genome position (GRCh38, 1-based): chr3:121,488,303, T>C on the plus strand (A>G on the coding strand, the complement: POLQ is on the minus strand). VCF-style: chr3-121488303-T-C. GRCh37 (hg19) VCF-style: chr3-121207150-T-C.
Other names: short protein forms D1543G.
Identifiers: ClinVar variation 2448935 (VCV002448935.2), dbSNP rs2546785718, ClinGen allele CA354094395.